The following is an entry in ClinVar:

ClinVar aggregate classification (germline): Pathogenic (1 of 4 stars; one submission).

gnomAD v4.1: 4 of 1,611,492 alleles (0.00025%); highest among the groups gnomAD compares: Non-Finnish European, 0.00034%; no homozygotes.

Submission:

Labcorp Genetics (formerly Invitae), Labcorp
Classification: Pathogenic. Last evaluated: 2026-01-21. Review status: criteria provided, single submitter. Criteria: Invitae Variant Classification Sherloc (09022015). Collection method: clinical testing. Allele origin: germline.
Comment: This sequence change affects an acceptor splice site in intron 12 of the F12 gene. It is expected to disrupt RNA splicing. Variants that disrupt the donor or acceptor splice site typically lead to a loss of protein function (PMID: 16199547), and loss-of-function variants in F12 are known to be pathogenic (PMID: 9354665, 20386432, 26105808). This variant is not present in population databases (gnomAD no frequency). Disruption of this splice site has been observed in individuals with factor XII deficiency (PMID: 36627437). Algorithms developed to predict the effect of sequence changes on RNA splicing suggest that this variant may disrupt the consensus splice site. For these reasons, this variant has been classified as Pathogenic.

Literature cited by the submitters: PubMed 16199547; PubMed 9354665; PubMed 20386432; PubMed 26105808; PubMed 36627437.

NM_000505.4(F12):c.1532-1G>A

Gene: F12 (coagulation factor XII; minus strand). Cytogenetic location: 5q35.3.
Variant type: single nucleotide variant.
Coding change: c.1532-1G>A on transcript NM_000505.4 (MANE Select); the canonical splice acceptor site of the intron before coding-DNA position 1532, G replaced by A.
Molecular consequence: splice acceptor variant.
Genome position (GRCh38, 1-based): chr5:177,402,699, C>T on the plus strand (G>A on the coding strand, the complement: F12 is on the minus strand). VCF-style: chr5-177402699-C-T. GRCh37 (hg19) VCF-style: chr5-176829700-C-T.
Identifiers: ClinVar variation 4770174 (VCV004770174.1).